The following is an entry in ClinVar:

NM_181507.2(HPS5):c.188G>T (p.Gly63Val)

Gene: HPS5 (HPS5 biogenesis of lysosomal organelles complex 2 subunit 2; minus strand). Cytogenetic location: 11p15.1.
Variant type: single nucleotide variant.
Coding change: c.188G>T on transcript NM_181507.2 (MANE Select); coding-DNA position 188, G replaced by T.
Protein change: p.Gly63Val; replaces glycine 63 with valine.
Molecular consequence: missense variant. On other transcripts: 5 prime UTR variant (1).
Genome position (GRCh38, 1-based): chr11:18,311,945, C>A on the plus strand (G>T on the coding strand, the complement: HPS5 is on the minus strand). VCF-style: chr11-18311945-C-A. GRCh37 (hg19) VCF-style: chr11-18333492-C-A.
Other names: c.-155G>T (NM_007216.4, NM_181508.2); short protein forms G63V.
Identifiers: ClinVar variation 3724932 (VCV003724932.2).

ClinVar aggregate classification (germline): Uncertain significance (1 of 4 stars; one submission).

gnomAD v4.1: 1 of 1,613,872 alleles (0.000062%); highest among the groups gnomAD compares: South Asian, 0.0011%; no homozygotes.

Submission:

Labcorp Genetics (formerly Invitae), Labcorp
Classification: Uncertain significance. Last evaluated: 2024-11-10. Review status: criteria provided, single submitter. Criteria: Invitae Variant Classification Sherloc (09022015). Collection method: clinical testing. Allele origin: germline.
Comment: This sequence change replaces glycine, which is neutral and non-polar, with valine, which is neutral and non-polar, at codon 63 of the HPS5 protein (p.Gly63Val). This variant is not present in population databases (gnomAD no frequency). This variant has not been reported in the literature in individuals affected with HPS5-related conditions. An algorithm developed to predict the effect of missense changes on protein structure and function (PolyPhen-2) suggests that this variant is likely to be disruptive. In summary, the available evidence is currently insufficient to determine the role of this variant in disease. Therefore, it has been classified as a Variant of Uncertain Significance.